The following is an entry in ClinVar:

ClinVar aggregate classification (germline): Conflicting classifications of pathogenicity. Review status: criteria provided, conflicting classifications (1 of 4 stars). 4 submissions from 4 submitters: Uncertain significance (3); Likely benign (1). Last evaluated 2026-05-12.

Conditions:
Inborn genetic diseases. Identifiers: MedGen C0950123, MeSH D030342.
Postaxial polydactyly-anterior pituitary anomalies-facial dysmorphism syndrome. Also called: Culler-Jones syndrome. Identifiers: Orphanet 420584, MedGen C4014479, MONDO:0014369, OMIM 615849.
Holoprosencephaly 9 (HPE9). Also called: HOLOPROSENCEPHALY WITH MICROPHTHALMIA AND FIRST BRANCHIAL ARCH ANOMALIES; PITUITARY ANOMALIES WITH HOLOPROSENCEPHALY-LIKE FEATURES. Identifiers: Orphanet 2162, MedGen C1835819, MONDO:0012563, OMIM 610829.
GLI2-related disorder. Also called: GLI2-related disorders; GLI2-related condition.

Allele frequency attached by ClinVar (database versions not stated): ESP Exome Variant Server 0.00015.
gnomAD v4.1: 160 of 1,612,430 alleles (0.0099%); highest among the groups gnomAD compares: Non-Finnish European, 0.012%; no homozygotes.

Submissions (4):

Women's Health and Genetics/Laboratory Corporation of America, LabCorp
Classification: Uncertain significance. Last evaluated: 2026-05-12. Review status: criteria provided, single submitter. Criteria: LabCorp Variant Classification Summary - May 2015. Collection method: clinical testing. Allele origin: germline.

PreventionGenetics, part of Exact Sciences
Classification: Uncertain significance for GLI2-related condition. Last evaluated: 2026-05-09. Review status: criteria provided, single submitter. Criteria: ACMG Guidelines, 2015. Collection method: clinical testing. Allele origin: germline.
Comment: The GLI2 c.649C>T variant is predicted to result in the amino acid substitution p.Arg217Cys. To our knowledge, this variant has not been reported in the literature. This variant is reported in 0.0080% of alleles in individuals of African descent in gnomAD. At this time, the clinical significance of this variant is uncertain due to the absence of conclusive functional and genetic evidence.

Labcorp Genetics (formerly Invitae), Labcorp
Classification: Uncertain significance for Postaxial polydactyly-anterior pituitary anomalies-facial dysmorphism syndrome; Holoprosencephaly 9. Last evaluated: 2025-11-23. Review status: criteria provided, single submitter. Criteria: Invitae Variant Classification Sherloc (09022015). Collection method: clinical testing. Allele origin: germline.
Comment: This sequence change replaces arginine, which is basic and polar, with cysteine, which is neutral and slightly polar, at codon 217 of the GLI2 protein (p.Arg217Cys). This variant is present in population databases (rs149819397, gnomAD 0.008%). This variant has not been reported in the literature in individuals affected with GLI2-related conditions. ClinVar contains an entry for this variant (Variation ID: 1968820). Invitae Evidence Modeling of protein sequence and biophysical properties (such as structural, functional, and spatial information, amino acid conservation, physicochemical variation, residue mobility, and thermodynamic stability) indicates that this missense variant is expected to disrupt GLI2 protein function with a positive predictive value of 80%. In summary, the available evidence is currently insufficient to determine the role of this variant in disease. Therefore, it has been classified as a Variant of Uncertain Significance.

Ambry Genetics
Classification: Likely benign for Inborn genetic diseases. Last evaluated: 2024-01-03. Review status: criteria provided, single submitter. Criteria: Ambry Variant Classification Scheme 2023. Collection method: clinical testing. Allele origin: germline.

NM_001374353.1(GLI2):c.649C>T (p.Arg217Cys)

Gene: GLI2 (GLI family zinc finger 2; plus strand). Cytogenetic location: 2q14.2.
Variant type: single nucleotide variant.
Coding change: c.649C>T on transcript NM_001374353.1 (MANE Select); coding-DNA position 649, C replaced by T.
Protein change: p.Arg217Cys; replaces arginine 217 with cysteine.
Molecular consequence: missense variant.
Genome position (GRCh38, 1-based): chr2:120,968,719, C>T. VCF-style: chr2-120968719-C-T. GRCh37 (hg19) VCF-style: chr2-121726295-C-T.
Other names: c.649C>T, p.Arg217Cys (NM_001371271.1, NM_005270.5); c.274C>T, p.Arg92Cys (NM_001374354.1); c.649C>T (NM_005270.4); short protein forms R217C, R92C.
Identifiers: ClinVar variation 1968820 (VCV001968820.8), dbSNP rs149819397, ClinGen allele CA1851620.